The following is an entry in ClinVar:

ClinVar aggregate classification (germline): Likely benign. Review status: criteria provided, multiple submitters, no conflicts (2 of 4 stars). 3 submissions from 3 submitters: Likely benign (3). Last evaluated 2026-01-26.

Conditions:
Inborn genetic diseases. Identifiers: MedGen C0950123, MeSH D030342.

Allele frequency attached by ClinVar (database versions not stated): gnomAD exomes 0.00005 and 0.00014; ExAC 0.00023; gnomAD 0.00033 and 0.00036; ESP Exome Variant Server 0.00038; TOPMed 0.00043; 1000 Genomes Project 30x 0.00047; 1000 Genomes Project 0.00060.
gnomAD v4.1: 134 of 1,613,478 alleles (0.0083%); highest among the groups gnomAD compares: African/African-American, 0.14%; no homozygotes.

Submissions (3):

Labcorp Genetics (formerly Invitae), Labcorp
Classification: Likely benign. Last evaluated: 2026-01-26. Review status: criteria provided, single submitter. Criteria: Invitae Variant Classification Sherloc (09022015). Collection method: clinical testing. Allele origin: germline.

Ambry Genetics
Classification: Likely benign for Inborn genetic diseases. Last evaluated: 2024-03-25. Review status: criteria provided, single submitter. Criteria: Ambry Variant Classification Scheme 2023. Collection method: clinical testing. Allele origin: germline.

CeGaT Center for Human Genetics Tuebingen
Classification: Likely benign. Last evaluated: 2023-10-01. Review status: criteria provided, single submitter. Criteria: CeGaT Center For Human Genetics Tuebingen Variant Classification Criteria Version 2. Collection method: clinical testing. Allele origin: germline. Affected: yes. Observed: 1 variant allele.
Comment: CAMTA1: BP4

NM_015215.4(CAMTA1):c.3010G>A (p.Gly1004Arg)

Gene: CAMTA1 (calmodulin binding transcription activator 1; plus strand). Cytogenetic location: 1p36.23.
Variant type: single nucleotide variant.
Coding change: c.3010G>A on transcript NM_015215.4 (MANE Select); coding-DNA position 3010, G replaced by A.
Protein change: p.Gly1004Arg; replaces glycine 1004 with arginine.
Molecular consequence: missense variant.
Genome position (GRCh38, 1-based): chr1:7,732,543, G>A. VCF-style: chr1-7732543-G-A. GRCh37 (hg19) VCF-style: chr1-7792603-G-A.
Other names: c.3010G>A (NM_015215.2); c.2920G>A, p.Gly974Arg (NM_001349608.2, NM_001349612.2); c.3010G>A, p.Gly1004Arg (NM_001349609.2, NM_001349610.2); c.139G>A, p.Gly47Arg (NM_001349613.1); c.82G>A, p.Gly28Arg (NM_001349614.1, NM_001349615.2, NM_001349616.2 and 10 more transcripts); short protein forms G47R, G974R, G28R, G1004R.
Identifiers: ClinVar variation 734976 (VCV000734976.33), dbSNP rs144736926, ClinGen allele CA566801.